The following is an entry in ClinVar:

ClinVar aggregate classification (germline): Conflicting classifications of pathogenicity. Review status: criteria provided, conflicting classifications (1 of 4 stars). 3 submissions from 3 submitters: Uncertain significance (1); Likely benign (1). 1 of the submissions does not count toward it. Last evaluated 2026-03-01.

Conditions:
FARSA-related disorder. Also called: FARSA-related condition.

Allele frequency attached by ClinVar (database versions not stated): 1000 Genomes Project 0.00160; 1000 Genomes Project 30x 0.00203; ExAC 0.00215; gnomAD 0.00265; TOPMed 0.00284; ESP Exome Variant Server 0.00300; gnomAD exomes 0.00330.
gnomAD v4.1: 5,216 of 1,614,068 alleles (0.32%); highest among the groups gnomAD compares: Middle Eastern, 0.68%; 10 homozygotes.

Submissions (7):

CeGaT Center for Human Genetics Tuebingen
Classification: Likely benign. Last evaluated: 2026-03-01. Review status: criteria provided, single submitter. Criteria: CeGaT Center For Human Genetics Tuebingen Variant Classification Criteria Version 2. Collection method: clinical testing. Allele origin: germline. Affected: yes. Observed: 3 variant alleles.
Comment: FARSA: BP4

Ambry Genetics
Classification: Uncertain significance. Last evaluated: 2025-08-28. Review status: criteria provided, single submitter. Criteria: Ambry Variant Classification Scheme 2023. Collection method: clinical testing. Allele origin: germline.

PreventionGenetics, part of Exact Sciences
Classification: Benign for FARSA-related condition. Last evaluated: 2019-03-07. Review status: no assertion criteria provided. Collection method: clinical testing. Allele origin: germline. Not counted in ClinVar's aggregate classification.
Comment: This variant is classified as benign based on ACMG/AMP sequence variant interpretation guidelines (Richards et al. 2015 PMID: 25741868, with internal and published modifications).

Dr. Peter K. Rogan Lab, Western University
No classification provided (evidence only). Condition: Lung cancer. Review status: no classification provided. Collection method: in vitro. Allele origin: not applicable. Functional consequence: retained intron. Not counted in ClinVar's aggregate classification.

Dr. Peter K. Rogan Lab, Western University
No classification provided (evidence only). Condition: Melanoma. Review status: no classification provided. Collection method: in vitro. Allele origin: not applicable. Functional consequence: retained intron. Not counted in ClinVar's aggregate classification.

Dr. Peter K. Rogan Lab, Western University
No classification provided (evidence only). Condition: Familial cancer of breast. Review status: no classification provided. Collection method: in vitro. Allele origin: not applicable. Functional consequence: retained intron. Not counted in ClinVar's aggregate classification.

Dr. Peter K. Rogan Lab, Western University
No classification provided (evidence only). Condition: Familial cancer of breast. Review status: no classification provided. Collection method: in vitro. Allele origin: not applicable. Functional consequence: skipped exon. Not counted in ClinVar's aggregate classification.

NM_004461.3(FARSA):c.409C>A (p.Gln137Lys)

Gene: FARSA (phenylalanyl-tRNA synthetase subunit alpha; minus strand). Cytogenetic location: 19p13.13.
Variant type: single nucleotide variant.
Coding change: c.409C>A on transcript NM_004461.3 (MANE Select); coding-DNA position 409, C replaced by A.
Protein change: p.Gln137Lys; replaces glutamine 137 with lysine.
Molecular consequence: missense variant.
Genome position (GRCh38, 1-based): chr19:12,930,317, G>T on the plus strand (C>A on the coding strand, the complement: FARSA is on the minus strand). VCF-style: chr19-12930317-G-T. GRCh37 (hg19) VCF-style: chr19-13041131-G-T.
Other names: NC_000019.9:g.13041131G>T; short protein forms Q137K.
Identifiers: ClinVar variation 3050040 (VCV003050040.10), dbSNP rs61737507, ClinGen allele CA9235417.